The following is an entry in ClinVar:

ClinVar aggregate classification (germline): Pathogenic. Review status: criteria provided, single submitter (1 of 4 stars). 2 submissions from 2 submitters: Pathogenic (1). 1 of the submissions does not count toward it. Last evaluated 2023-06-04.

Conditions:
Early-infantile DEE. Also called: Early infantile epileptic encephalopathy with suppression bursts; Early infantile epileptic encephalopathy; Ohtahara syndrome. Identifiers: Orphanet 1934, MedGen C0393706, MONDO:0800491.
Familial hemiplegic migraine. Identifiers: MedGen C0338484, MONDO:0000700.

Submissions (3):

Labcorp Genetics (formerly Invitae), Labcorp
Classification: Pathogenic for Early-infantile DEE. Last evaluated: 2023-06-04. Review status: criteria provided, single submitter. Criteria: Invitae Variant Classification Sherloc (09022015). Collection method: clinical testing. Allele origin: germline.
Comment: ClinVar contains an entry for this variant (Variation ID: 1177384). This missense change has been observed in individual(s) with familial hemiplegic migraine with or without epilepsy (PMID: 19220312). It has also been observed to segregate with disease in related individuals. This variant is not present in population databases (gnomAD no frequency). This sequence change replaces leucine, which is neutral and non-polar, with valine, which is neutral and non-polar, at codon 263 of the SCN1A protein (p.Leu263Val). Advanced modeling of protein sequence and biophysical properties (such as structural, functional, and spatial information, amino acid conservation, physicochemical variation, residue mobility, and thermodynamic stability) performed at Invitae indicates that this missense variant is expected to disrupt SCN1A protein function. For these reasons, this variant has been classified as Pathogenic. This variant disrupts the p.Leu263 amino acid residue in SCN1A. Other variant(s) that disrupt this residue have been determined to be pathogenic (Invitae). This suggests that this residue is clinically significant, and that variants that disrupt this residue are likely to be disease-causing. Experimental studies have shown that this missense change affects SCN1A function (PMID: 18621678).

Channelopathy-Associated Epilepsy Research Center
No classification provided (evidence only). Condition: Severe myoclonic epilepsy in infancy. Review status: no classification provided. Collection method: literature only. Allele origin: not applicable. Functional consequence: Moderate depolarizing shift of voltage dependence of fast inactivation, Acceleration of recovery from fast inactivation, Normal slope of fast inactivation, Normal slope of activation, Normal voltage dependence of activation, Mild slowing of fast inactivation, Normal rate of slow inactivation, Slowing of entry into slow inactivation, Normal recovery from slow inactivation, Depolarizing shift of voltage dependence of slow inactivation, Decrease in slope of slow inactivation, Normal peak current, Severe increase in persistent current, Overall gain-of-function effect with respect to biophysical channel activity. Not counted in ClinVar's aggregate classification.
ClinVar note: "not provided" was previously submitted as the classification for the variant. However, the classification appeared to be based only on an observation of functional data so it was converted to no classification on 2025-07-30.

GeneReviews
No classification provided. Condition: Familial hemiplegic migraine. Review status: no classification provided. Collection method: literature only. Allele origin: germline. Not counted in ClinVar's aggregate classification.

Literature cited by the submitters: PubMed 19220312 (cited by Labcorp Genetics (formerly Invitae), Labcorp); PubMed 18621678 (cited by Labcorp Genetics (formerly Invitae), Labcorp and Channelopathy-Associated Epilepsy Research Center); PubMed 31880072 (cited by GeneReviews); PubMed 20301562 (cited by GeneReviews).

NM_001165963.4(SCN1A):c.787C>G (p.Leu263Val)

Gene: SCN1A (sodium voltage-gated channel alpha subunit 1; minus strand). Cytogenetic location: 2q24.3.
Variant type: single nucleotide variant.
Coding change: c.787C>G on transcript NM_001165963.4 (MANE Select); coding-DNA position 787, C replaced by G.
Protein change: p.Leu263Val; replaces leucine 263 with valine.
Molecular consequence: missense variant. On other transcripts: 5 prime UTR variant (1), non-coding transcript variant (1).
Genome position (GRCh38, 1-based): chr2:166,051,896, G>C on the plus strand (C>G on the coding strand, the complement: SCN1A is on the minus strand). VCF-style: chr2-166051896-G-C. GRCh37 (hg19) VCF-style: chr2-166908406-G-C.
Other names: c.787C>G, p.Leu263Val (NM_001165964.3, NM_001202435.3, NM_001353948.2 and 10 more transcripts); c.-1639C>G (NM_001353961.2); short protein forms L263V.
Identifiers: ClinVar variation 1177384 (VCV001177384.9), dbSNP rs2105890052, ClinGen allele CA349073374.